The following is an entry in ClinVar:

NM_145068.4(TRPV3):c.1504-3T>C

Gene: TRPV3 (transient receptor potential cation channel subfamily V member 3; minus strand). Cytogenetic location: 17p13.2.
Variant type: single nucleotide variant.
Coding change: c.1504-3T>C on transcript NM_145068.4 (MANE Select); 3 bases into the intron before coding-DNA position 1504, T replaced by C.
Molecular consequence: intron variant.
Genome position (GRCh38, 1-based): chr17:3,526,930, A>G on the plus strand (T>C on the coding strand, the complement: TRPV3 is on the minus strand). VCF-style: chr17-3526930-A-G. GRCh37 (hg19) VCF-style: chr17-3430224-A-G.
Other names: c.1504-3T>C (NM_001258205.2).
Identifiers: ClinVar variation 2896305 (VCV002896305.3), dbSNP rs371784985, ClinGen allele CA8289411.

ClinVar aggregate classification (germline): Uncertain significance (1 of 4 stars; one submission).

Allele frequency attached by ClinVar (database versions not stated): TOPMed below 0.00001; gnomAD 0.00001; gnomAD exomes 0.00004; ESP Exome Variant Server 0.00008; ExAC 0.00015.

Submission:

Labcorp Genetics (formerly Invitae), Labcorp
Classification: Uncertain significance. Last evaluated: 2023-07-25. Review status: criteria provided, single submitter. Criteria: Invitae Variant Classification Sherloc (09022015). Collection method: clinical testing. Allele origin: germline.
Comment: In summary, the available evidence is currently insufficient to determine the role of this variant in disease. Therefore, it has been classified as a Variant of Uncertain Significance. Variants that disrupt the consensus splice site are a relatively common cause of aberrant splicing (PMID: 17576681, 9536098). Algorithms developed to predict the effect of sequence changes on RNA splicing suggest that this variant is not likely to affect RNA splicing. This variant has not been reported in the literature in individuals affected with TRPV3-related conditions. This variant is present in population databases (rs371784985, gnomAD 0.02%). This sequence change falls in intron 11 of the TRPV3 gene. It does not directly change the encoded amino acid sequence of the TRPV3 protein. It affects a nucleotide within the consensus splice site.

Literature cited by the submitters: PubMed 17576681; PubMed 9536098.